The following is an entry in ClinVar:

NM_005573.4(LMNB1):c.1451A>G (p.Tyr484Cys)

Gene: LMNB1 (lamin B1; plus strand). Cytogenetic location: 5q23.2.
Variant type: single nucleotide variant.
Coding change: c.1451A>G on transcript NM_005573.4 (MANE Select); coding-DNA position 1451, A replaced by G.
Protein change: p.Tyr484Cys; replaces tyrosine 484 with cysteine.
Molecular consequence: missense variant. On other transcripts: non-coding transcript variant (1).
Genome position (GRCh38, 1-based): chr5:126,822,845, A>G. VCF-style: chr5-126822845-A-G. GRCh37 (hg19) VCF-style: chr5-126158537-A-G.
Other names: c.821A>G, p.Tyr274Cys (NM_001198557.2); short protein forms Y484C, Y274C.
Identifiers: ClinVar variation 1514535 (VCV001514535.6), dbSNP rs763844684, ClinGen allele CA3390720.
Genomic context (GRCh38, chr5:126,822,845, plus strand): 5'-AACCAATGGGAGGCTGGGAGATGATCAGAAAAATTGGAGACACATCAGTCAGTTATAAAT[A>G]TACCTCAAGATATGTGCTGAAGGCAGGCCAGACTGTTACAGTAAGTGAATCTAGTCATCA-3'
Protein context (NP_005564.1, residues 474-494): KIGDTSVSYK[Tyr484Cys]TSRYVLKAGQ

ClinVar aggregate classification (germline): Uncertain significance (1 of 4 stars; one submission).

Allele frequency attached by ClinVar (database versions not stated): gnomAD exomes below 0.00001; ExAC 0.00001; gnomAD 0.00001.
gnomAD v4.1: 3 of 1,611,406 alleles (0.00019%); highest among the groups gnomAD compares: East Asian, 0.0022%; no homozygotes.

Submission:

Labcorp Genetics (formerly Invitae), Labcorp
Classification: Uncertain significance. Last evaluated: 2025-07-07. Review status: criteria provided, single submitter. Criteria: Invitae Variant Classification Sherloc (09022015). Collection method: clinical testing. Allele origin: germline.
Comment: This sequence change replaces tyrosine, which is neutral and polar, with cysteine, which is neutral and slightly polar, at codon 484 of the LMNB1 protein (p.Tyr484Cys). This variant is present in population databases (rs763844684, gnomAD 0.005%). This variant has not been reported in the literature in individuals affected with LMNB1-related conditions. ClinVar contains an entry for this variant (Variation ID: 1514535). Invitae Evidence Modeling of protein sequence and biophysical properties (such as structural, functional, and spatial information, amino acid conservation, physicochemical variation, residue mobility, and thermodynamic stability) indicates that this missense variant is expected to disrupt LMNB1 protein function with a positive predictive value of 80%. In summary, the available evidence is currently insufficient to determine the role of this variant in disease. Therefore, it has been classified as a Variant of Uncertain Significance.